The following is an entry in ClinVar:

NM_080860.4(RSPH1):c.365+4C>T

Gene: RSPH1 (radial spoke head component 1; minus strand). Cytogenetic location: 21q22.3.
Variant type: single nucleotide variant.
Coding change: c.365+4C>T on transcript NM_080860.4 (MANE Select); 4 bases into the intron after coding-DNA position 365, C replaced by T.
Molecular consequence: intron variant.
Genome position (GRCh38, 1-based): chr21:42,486,367, G>A on the plus strand (C>T on the coding strand, the complement: RSPH1 is on the minus strand). VCF-style: chr21-42486367-G-A. GRCh37 (hg19) VCF-style: chr21-43906477-G-A.
Other names: c.251+4C>T (NM_001286506.2).
Identifiers: ClinVar variation 1513716 (VCV001513716.6), dbSNP rs201479872, ClinGen allele CA638064057.

ClinVar aggregate classification (germline): Uncertain significance (1 of 4 stars; one submission).

Conditions:
Primary ciliary dyskinesia. Also called: Ciliary dyskinesia. Identifiers: Orphanet 244, MedGen C0008780, MONDO:0016575, HP:0012265.

Allele frequency attached by ClinVar (database versions not stated): gnomAD 0.00001.
gnomAD v4.1: 11 of 1,606,406 alleles (0.00068%); highest among the groups gnomAD compares: African/African-American, 0.0027%; no homozygotes.

Submission:

Labcorp Genetics (formerly Invitae), Labcorp
Classification: Uncertain significance for Primary ciliary dyskinesia. Last evaluated: 2021-11-16. Review status: criteria provided, single submitter. Criteria: Invitae Variant Classification Sherloc (09022015). Collection method: clinical testing. Allele origin: germline.
Comment: In summary, the available evidence is currently insufficient to determine the role of this variant in disease. Therefore, it has been classified as a Variant of Uncertain Significance. This variant has not been reported in the literature in individuals affected with RSPH1-related conditions. This sequence change falls in intron 4 of the RSPH1 gene. It does not directly change the encoded amino acid sequence of the RSPH1 protein. It affects a nucleotide within the consensus splice site. This variant is present in population databases (no rsID available, gnomAD 0.007%). Variants that disrupt the consensus splice site are a relatively common cause of aberrant splicing (PMID: 17576681, 9536098). Algorithms developed to predict the effect of sequence changes on RNA splicing suggest that this variant is not likely to affect RNA splicing.

Literature cited by the submitters: PubMed 17576681; PubMed 9536098.